The following is an entry in ClinVar:

NM_004999.4(MYO6):c.*3874G>A

Gene: MYO6 (myosin VI; plus strand). Cytogenetic location: 6q14.1.
Variant type: single nucleotide variant.
Coding change: c.*3874G>A on transcript NM_004999.4 (MANE Select); 3874 bases downstream of the stop codon, G replaced by A.
Molecular consequence: 3 prime UTR variant. On other transcripts: non-coding transcript variant (1).
Genome position (GRCh38, 1-based): chr6:75,918,886, G>A. VCF-style: chr6-75918886-G-A. GRCh37 (hg19) VCF-style: chr6-76628603-G-A.
Other names: c.*3874G>A (NM_001368137.1, NM_001368138.1, NM_001368865.1 and 3 more transcripts).
Identifiers: ClinVar variation 358050 (VCV000358050.5), dbSNP rs187631847, ClinGen allele CA10627633.

ClinVar aggregate classification (germline): Conflicting classifications of pathogenicity. Review status: criteria provided, conflicting classifications (1 of 4 stars). 2 submissions from 1 submitter: Uncertain significance (1); Likely benign (1). Last evaluated 2018-01-13.

Conditions:
Autosomal dominant nonsyndromic hearing loss 22. Also called: Autosomal dominant nonsyndromic deafness 22; DFNA 22. Identifiers: Orphanet 228012, MedGen C2931767, MONDO:0011660, OMIM 606346.
Autosomal recessive nonsyndromic hearing loss 37. Identifiers: Orphanet 90636, MedGen C1843028, MONDO:0011912, OMIM 607821.

Allele frequency attached by ClinVar (database versions not stated): gnomAD 0.00032 and 0.00052; TOPMed 0.00076; 1000 Genomes Project 0.00180; 1000 Genomes Project 30x 0.00203.

Submissions (2):

Illumina Laboratory Services, Illumina
Classification: Uncertain significance for Autosomal recessive nonsyndromic hearing loss 37. Last evaluated: 2018-01-13. Review status: criteria provided, single submitter. Criteria: ICSL Variant Classification Criteria 13 December 2019. Collection method: clinical testing. Allele origin: germline.

Illumina Laboratory Services, Illumina
Classification: Likely benign for Autosomal dominant nonsyndromic hearing loss 22. Last evaluated: 2018-01-13. Review status: criteria provided, single submitter. Criteria: ICSL Variant Classification Criteria 13 December 2019. Collection method: clinical testing. Allele origin: germline.
Comment: This variant was observed in the ICSL laboratory as part of a predisposition screen in an ostensibly healthy population. It had not been previously curated by ICSL or reported in the Human Gene Mutation Database (HGMD: prior to June 1st, 2018), and was therefore a candidate for classification through an automated scoring system. Utilizing variant allele frequency, disease prevalence and penetrance estimates, and inheritance mode, an automated score was calculated to assess if this variant is too frequent to cause the disease. Based on the score and internal cut-off values, a variant classified as likely benign is not then subjected to further curation. The score for this variant resulted in a classification of likely benign for this disease.